The following is an entry in ClinVar:

NM_022095.4(ZNF335):c.3304C>A (p.Pro1102Thr)

Gene: ZNF335 (zinc finger protein 335; minus strand). Cytogenetic location: 20q13.12.
Variant type: single nucleotide variant.
Coding change: c.3304C>A on transcript NM_022095.4 (MANE Select); coding-DNA position 3304, C replaced by A.
Protein change: p.Pro1102Thr; replaces proline 1102 with threonine.
Molecular consequence: missense variant.
Genome position (GRCh38, 1-based): chr20:45,950,481, G>T on the plus strand (C>A on the coding strand, the complement: ZNF335 is on the minus strand). VCF-style: chr20-45950481-G-T. GRCh37 (hg19) VCF-style: chr20-44579120-G-T.
Other names: short protein forms P1102T.
Identifiers: ClinVar variation 3668946 (VCV003668946.2).

ClinVar aggregate classification (germline): Uncertain significance (1 of 4 stars; one submission).

gnomAD v4.1: 17 of 1,614,112 alleles (0.0011%); highest among the groups gnomAD compares: Non-Finnish European, 0.0014%; no homozygotes.

Submission:

Labcorp Genetics (formerly Invitae), Labcorp
Classification: Uncertain significance. Last evaluated: 2024-02-14. Review status: criteria provided, single submitter. Criteria: Invitae Variant Classification Sherloc (09022015). Collection method: clinical testing. Allele origin: germline.
Comment: This sequence change replaces proline, which is neutral and non-polar, with threonine, which is neutral and polar, at codon 1102 of the ZNF335 protein (p.Pro1102Thr). This variant is present in population databases (no rsID available, gnomAD 0.002%). This variant has not been reported in the literature in individuals affected with ZNF335-related conditions. Advanced modeling of protein sequence and biophysical properties (such as structural, functional, and spatial information, amino acid conservation, physicochemical variation, residue mobility, and thermodynamic stability) performed at Invitae indicates that this missense variant is not expected to disrupt ZNF335 protein function with a negative predictive value of 80%. In summary, the available evidence is currently insufficient to determine the role of this variant in disease. Therefore, it has been classified as a Variant of Uncertain Significance.